The following is an entry in ClinVar:

ClinVar aggregate classification (germline): Pathogenic (1 of 4 stars; one submission).

Conditions:
Hereditary hemorrhagic telangiectasia (HHT). Also called: Osler hemorrhagic telangiectasia syndrome; ORW DISEASE; Osler Weber Rendu syndrome; OSLER-RENDU-WEBER DISEASE. Identifiers: Orphanet 774, MedGen C0039445, MONDO:0019180. Disease mechanism: loss of function.

Submission:

Labcorp Genetics (formerly Invitae), Labcorp
Classification: Pathogenic for Hereditary hemorrhagic telangiectasia. Last evaluated: 2020-10-30. Review status: criteria provided, single submitter. Criteria: Invitae Variant Classification Sherloc (09022015). Collection method: clinical testing. Allele origin: germline.
Comment: This variant is a gross deletion of the genomic region encompassing exon(s) 11-14 of the ENG gene. The 5' boundary is likely confined to intron 10. The 3' end of this event is unknown as it extends through the termination codon beyond the assayed region for this gene and may encompass additional genes. While this deletion is not anticipated to lead to nonsense mediated decay, it is expected to alter mRNA translation or result in a truncated protein product. This variant has been observed in individual(s) with thromboembolic pulmonary hypertension (PMID: 26820968). This variant disrupts the C-terminus of the ENG protein. Other variant(s) that disrupt this region (p.Leu572*) have been determined to be pathogenic (PMID: 11440987). This suggests that variants that disrupt this region of the protein are likely to be causative of disease. For these reasons, this variant has been classified as Pathogenic.

Literature cited by the submitters: PubMed 26820968; PubMed 11440987.

NC_000009.11:g.(?_130578090)_130581774del

Gene: ENG (endoglin; minus strand).
Variant type: Deletion.
Identifiers: ClinVar variation 1076880 (VCV001076880.2).